The following is an entry in ClinVar:

NM_000465.4(BARD1):c.643A>T (p.Asn215Tyr)

Gene: BARD1 (BRCA1 associated RING domain 1; minus strand). Cytogenetic location: 2q35.
Variant type: single nucleotide variant.
Coding change: c.643A>T on transcript NM_000465.4 (MANE Select); coding-DNA position 643, A replaced by T.
Protein change: p.Asn215Tyr; replaces asparagine 215 with tyrosine.
Molecular consequence: missense variant. On other transcripts: non-coding transcript variant (2), intron variant (3).
Genome position (GRCh38, 1-based): chr2:214,781,231, T>A on the plus strand (A>T on the coding strand, the complement: BARD1 is on the minus strand). VCF-style: chr2-214781231-T-A. GRCh37 (hg19) VCF-style: chr2-215645955-T-A.
Other names: c.586A>T, p.Asn196Tyr (NM_001282543.2); c.158+28181A>T (NM_001282548.2); c.215+15830A>T (NM_001282545.2); c.364+11066A>T (NM_001282549.2); short protein forms N215Y, N196Y.
Identifiers: ClinVar variation 220032 (VCV000220032.15), dbSNP rs864622353, ClinGen allele CA350527.

ClinVar aggregate classification (germline): Uncertain significance. Review status: criteria provided, multiple submitters, no conflicts (2 of 4 stars). 5 submissions from 5 submitters: Uncertain significance (4). 1 of the submissions does not count toward it. Last evaluated 2024-01-09.

Conditions:
Hereditary cancer-predisposing syndrome. Also called: Hereditary neoplastic syndrome; Tumor predisposition; Hereditary Cancer Syndrome; Neoplastic Syndromes, Hereditary. Identifiers: Orphanet 140162, MedGen C0027672, MeSH D009386, MONDO:0015356.
Familial cancer of breast. Also called: hereditary breast carcinoma; Hereditary breast cancer; BREAST CANCER, FAMILIAL. Identifiers: Orphanet 227535, MedGen C0346153, MONDO:0016419, OMIM 114480. Disease mechanism: loss of function.
Malignant tumor of breast. Also called: Cancer breast; Malignant breast neoplasm. Identifiers: MedGen C0006142, MONDO:0007254. Disease mechanism: loss of function.

Allele frequency attached by ClinVar (database versions not stated): gnomAD exomes below 0.00001.
gnomAD v4.1: 6 of 1,594,942 alleles (0.00038%); highest among the groups gnomAD compares: Non-Finnish European, 0.00051%; no homozygotes.

Submissions (5):

GeneDx
Classification: Uncertain significance. Last evaluated: 2024-01-09. Review status: criteria provided, single submitter. Criteria: GeneDx Variant Classification Process June 2021. Collection method: clinical testing. Allele origin: germline. Affected: yes.
Comment: Not observed at significant frequency in large population cohorts (gnomAD); In silico analysis supports that this missense variant has a deleterious effect on protein structure/function; Observed in an individual with ovarian cancer (PMID: 30093976); This variant is associated with the following publications: (PMID: 32885271, 30093976)

Baylor Genetics
Classification: Uncertain significance for Familial cancer of breast. Last evaluated: 2023-07-04. Review status: criteria provided, single submitter. Criteria: ACMG Guidelines, 2015. Collection method: clinical testing. Allele origin: unknown.

Ambry Genetics
Classification: Uncertain significance for Hereditary cancer-predisposing syndrome. Last evaluated: 2022-12-01. Review status: criteria provided, single submitter. Criteria: Ambry Variant Classification Scheme 2023. Collection method: clinical testing. Allele origin: germline.
Comment: The p.N215Y variant (also known as c.643A>T), located in coding exon 4 of the BARD1 gene, results from an A to T substitution at nucleotide position 643. The asparagine at codon 215 is replaced by tyrosine, an amino acid with dissimilar properties. This alteration has been reported in an individual from a cohort of 1191 cancer index patients who underwent clinical evaluation and testing with multigene panels (Chan GHJ et al. Oncotarget, 2018 Jul;9:30649-30660). This variant was also observed in 1/3251 individuals who met eligibility criteria for hereditary breast and ovarian cancer syndrome (Lerner-Ellis J et al. J Cancer Res Clin Oncol, 2021 Mar;147:871-879). This amino acid position is highly conserved in available vertebrate species. In addition, this alteration is predicted to be deleterious by in silico analysis. Since supporting evidence is limited at this time, the clinical significance of this alteration remains unclear.

Labcorp Genetics (formerly Invitae), Labcorp
Classification: Uncertain significance for Familial cancer of breast. Last evaluated: 2021-08-30. Review status: criteria provided, single submitter. Criteria: Invitae Variant Classification Sherloc (09022015). Collection method: clinical testing. Allele origin: germline.
Comment: In summary, the available evidence is currently insufficient to determine the role of this variant in disease. Therefore, it has been classified as a Variant of Uncertain Significance. Algorithms developed to predict the effect of missense changes on protein structure and function (SIFT, PolyPhen-2, Align-GVGD) all suggest that this variant is likely to be disruptive. ClinVar contains an entry for this variant (Variation ID: 220032). This variant has been observed in individual(s) with ovarian cancer (PMID: 30093976). This variant is not present in population databases (ExAC no frequency). This sequence change replaces asparagine with tyrosine at codon 215 of the BARD1 protein (p.Asn215Tyr). The asparagine residue is highly conserved and there is a large physicochemical difference between asparagine and tyrosine.

Department of Pathology and Laboratory Medicine, Sinai Health System
Classification: Uncertain significance for Malignant tumor of breast. Review status: no assertion criteria provided. Collection method: clinical testing. Allele origin: unknown. Affected: yes. Study: The Canadian Open Genetics Repository (COGR). Not counted in ClinVar's aggregate classification.
Comment: The BARD1 p.Asn215Tyr variant was identified in 1 of 2382 proband chromosomes (frequency: 0.0004) from individuals with primary cancer (Chan 2018, 30093976). The variant was also identified in ClinVar (as Uncertain Significance by Invitae 2016). The variant was identified in control databases in 1 of 227416 chromosomes at a frequency of 0.000004 (Genome Aggregation Database Feb 27, 2017). The variant was observed in the following populations: European Non-Finnish in 1 of 106104 chromosomes (freq: 0.000009), while the variant was not observed in the African, Other, Latino, Ashkenazi Jewish, East Asian, Finnish, and South Asian populations. The p.Asn215 residue is conserved in mammals but not in more distantly related organisms, and four out of five computational analyses (PolyPhen-2, SIFT, AlignGVGD, BLOSUM, MutationTaster) suggest that the variant may impact the protein; however, this information is not predictive enough to assume pathogenicity. The variant occurs outside of the splicing consensus sequence and in silico or computational prediction software programs (SpliceSiteFinder, MaxEntScan, NNSPLICE, GeneSplicer) do not predict a difference in splicing. In summary, based on the above information the clinical significance of this variant cannot be determined with certainty at this time. This variant is classified as a variant of uncertain significance.

Literature cited by the submitters: PubMed 30093976 (cited by Ambry Genetics and Labcorp Genetics (formerly Invitae), Labcorp); PubMed 32885271 (cited by Ambry Genetics).